The following is an entry in ClinVar:

NM_181507.2(HPS5):c.1635T>C (p.Ser545=)

Gene: HPS5 (HPS5 biogenesis of lysosomal organelles complex 2 subunit 2; minus strand). Cytogenetic location: 11p15.1.
Variant type: single nucleotide variant.
Coding change: c.1635T>C on transcript NM_181507.2 (MANE Select); coding-DNA position 1635, T replaced by C.
Protein change: p.Ser545=; no amino-acid change (serine 545 retained).
Molecular consequence: synonymous variant.
Genome position (GRCh38, 1-based): chr11:18,295,169, A>G on the plus strand (T>C on the coding strand, the complement: HPS5 is on the minus strand). VCF-style: chr11-18295169-A-G. GRCh37 (hg19) VCF-style: chr11-18316716-A-G.
Other names: c.1293T>C, p.Ser431= (NM_007216.4, NM_181508.2).
Identifiers: ClinVar variation 1475556 (VCV001475556.6), dbSNP rs2134319004, ClinGen allele CA473385521.
Genomic context (GRCh38, chr11:18,295,169, plus strand): 5'-ATCAGGGCTCGTGTGAAGGGTGCCAATCTTCTCAGTAGTTTTACGCACAAAGCTAGAAAC[A>G]CTAGAAGTCAAATAACAAAAAACTAACATGAATAAAAACTTATTACTGAGAAAACTCAGG-3'
Protein context (NP_852608.1, residues 535-555): PLVSLQAVKE[Ser545=]VSSFVRKTTE

ClinVar aggregate classification (germline): Uncertain significance (1 of 4 stars; one submission).

Submission:

Labcorp Genetics (formerly Invitae), Labcorp
Classification: Uncertain significance. Last evaluated: 2022-10-13. Review status: criteria provided, single submitter. Criteria: Invitae Variant Classification Sherloc (09022015). Collection method: clinical testing. Allele origin: germline.
Comment: In summary, the available evidence is currently insufficient to determine the role of this variant in disease. Therefore, it has been classified as a Variant of Uncertain Significance. Algorithms developed to predict the effect of sequence changes on RNA splicing suggest that this variant is not likely to affect RNA splicing. ClinVar contains an entry for this variant (Variation ID: 1475556). This variant has not been reported in the literature in individuals affected with HPS5-related conditions. This variant is not present in population databases (gnomAD no frequency). This sequence change affects codon 545 of the HPS5 mRNA. It is a 'silent' change, meaning that it does not change the encoded amino acid sequence of the HPS5 protein. It affects a nucleotide within the consensus splice site.